The following is an entry in ClinVar:

ClinVar aggregate classification (germline): Uncertain significance (1 of 4 stars; one submission).

Submission:

GeneDx
Classification: Uncertain significance. Last evaluated: 2021-06-23. Review status: criteria provided, single submitter. Criteria: GeneDx Variant Classification Process June 2021. Collection method: clinical testing. Allele origin: germline. Affected: yes.
Comment: Not observed at significant frequency in large population cohorts (Lek et al., 2016); Frameshift variant predicted to result in protein truncation or nonsense mediated decay in a gene for which loss-of-function is not a known mechanism of disease; Has not been previously published as pathogenic or benign to our knowledge; This variant is associated with the following publications: (PMID: 27535533)

NM_000435.3(NOTCH3):c.227_228dup (p.Gln77fs)

Gene: NOTCH3 (notch receptor 3; minus strand). Cytogenetic location: 19p13.12.
Variant type: Microsatellite.
Coding change: c.227_228dup on transcript NM_000435.3 (MANE Select); coding-DNA positions 227 to 228, 2 bases duplicated (GT; older notation c.227_228dupGT).
Protein change: p.Gln77fs; shifts the reading frame from glutamine 77.
Molecular consequence: frameshift variant.
Genome position (GRCh38, 1-based): chr19:15,192,489-15,192,490, AC duplicated on the plus strand (GT on the coding strand, the reverse complement: NOTCH3 is on the minus strand); duplicating any 2 consecutive bases within chr19:15,192,489-15,192,492 gives the same sequence; the c. name uses the placement nearest the transcript's 3' end. VCF-style (leftmost placement, unchanged base first): chr19-15192488-G-GAC. GRCh37 (hg19) VCF-style: chr19-15303299-G-GAC.
Other names: short protein forms Q77fs.
Identifiers: ClinVar variation 1329533 (VCV001329533.2), dbSNP rs2145443760, ClinGen allele CA2580613079.